The following is an entry in ClinVar:

NM_001029883.3(PCARE):c.2714G>A (p.Ser905Asn)

Gene: PCARE (photoreceptor cilium actin regulator; minus strand). Cytogenetic location: 2p23.2.
Variant type: single nucleotide variant.
Coding change: c.2714G>A on transcript NM_001029883.3 (MANE Select); coding-DNA position 2714, G replaced by A.
Protein change: p.Ser905Asn; replaces serine 905 with asparagine.
Molecular consequence: missense variant.
Genome position (GRCh38, 1-based): chr2:29,071,548, C>T on the plus strand (G>A on the coding strand, the complement: PCARE is on the minus strand). VCF-style: chr2-29071548-C-T. GRCh37 (hg19) VCF-style: chr2-29294414-C-T.
Other names: short protein forms S905N.
Identifiers: ClinVar variation 2197438 (VCV002197438.5), dbSNP rs373070906, ClinGen allele CA1592137.

ClinVar aggregate classification (germline): Uncertain significance. Review status: criteria provided, multiple submitters, no conflicts (2 of 4 stars). 2 submissions from 2 submitters: Uncertain significance (2). Last evaluated 2023-10-01.

Conditions:
Retinal dystrophy. Also called: Inherited retinal dystrophy. Identifiers: Orphanet 71862, MedGen C0854723, MeSH D058499, MONDO:0019118, HP:0000556.

Allele frequency attached by ClinVar (database versions not stated): gnomAD exomes below 0.00001; ExAC 0.00001; TOPMed 0.00002; gnomAD 0.00003; ESP Exome Variant Server 0.00008.

Submissions (2):

Dept Of Ophthalmology, Nagoya University
Classification: Uncertain significance for Retinal dystrophy. Last evaluated: 2023-10-01. Review status: criteria provided, single submitter. Criteria: Submitter's publication. Collection method: research. Allele origin: germline. Affected: yes.

Labcorp Genetics (formerly Invitae), Labcorp
Classification: Uncertain significance. Last evaluated: 2022-02-14. Review status: criteria provided, single submitter. Criteria: Invitae Variant Classification Sherloc (09022015). Collection method: clinical testing. Allele origin: germline.
Comment: This sequence change replaces serine, which is neutral and polar, with asparagine, which is neutral and polar, at codon 905 of the PCARE protein (p.Ser905Asn). This variant is present in population databases (rs373070906, gnomAD 0.007%). This variant has not been reported in the literature in individuals affected with PCARE-related conditions. Algorithms developed to predict the effect of missense changes on protein structure and function (SIFT, PolyPhen-2, Align-GVGD) all suggest that this variant is likely to be tolerated. In summary, the available evidence is currently insufficient to determine the role of this variant in disease. Therefore, it has been classified as a Variant of Uncertain Significance.